The following is an entry in ClinVar:

ClinVar aggregate classification (germline): Uncertain significance (1 of 4 stars; one submission).

Conditions:
Cardiovascular phenotype. Identifiers: MedGen CN230736.

Allele frequency attached by ClinVar (database versions not stated): gnomAD exomes below 0.00001; gnomAD 0.00001; TOPMed 0.00001.
gnomAD v4.1: 2 of 1,601,864 alleles (0.00012%); highest among the groups gnomAD compares: African/African-American, 0.0013%; no homozygotes.

Submission:

Ambry Genetics
Classification: Uncertain significance for Cardiovascular phenotype. Last evaluated: 2019-12-19. Review status: criteria provided, single submitter. Criteria: Ambry Variant Classification Scheme 2023. Collection method: clinical testing. Allele origin: germline.
Comment: The p.S24032Y variant (also known as c.72095C>A) is located in coding exon 182 of the TTN gene. The serine at codon 24032 is replaced by tyrosine, an amino acid with dissimilar properties. This change occurs in the first base pair of coding exon 182. This amino acid position is well conserved in available vertebrate species. In addition, this alteration is predicted to be tolerated by in silico analysis. Since supporting evidence is limited at this time, the clinical significance of this alteration remains unclear.

NM_001267550.2(TTN):c.99290C>A (p.Ser33097Tyr)

Genes: TTN (titin; minus strand), TTN-AS1 (TTN antisense RNA 1; plus strand). Cytogenetic location: 2q31.2.
Variant type: single nucleotide variant.
Coding change: c.99290C>A on transcript NM_001267550.2 (MANE Select); coding-DNA position 99290, C replaced by A.
Protein change: p.Ser33097Tyr; replaces serine 33097 with tyrosine.
Molecular consequence: missense variant.
Genome position (GRCh38, 1-based): chr2:178,537,917, G>T on the plus strand (C>A on the coding strand, the complement: TTN is on the minus strand). VCF-style: chr2-178537917-G-T. GRCh37 (hg19) VCF-style: chr2-179402644-G-T.
Other names: c.94367C>A, p.Ser31456Tyr (NM_001256850.1); c.72095C>A, p.Ser24032Tyr (NM_003319.4); c.91586C>A, p.Ser30529Tyr (NM_133378.4); c.72470C>A, p.Ser24157Tyr (NM_133432.3); c.72671C>A, p.Ser24224Tyr (NM_133437.4); short protein forms S24224Y, S24157Y, S33097Y, S24032Y, S30529Y, S31456Y.
Identifiers: ClinVar variation 1757695 (VCV001757695.2), dbSNP rs1327521924, ClinGen allele CA349430465.